The following is an entry in ClinVar:

ClinVar aggregate classification (germline): Uncertain significance (1 of 4 stars; one submission).

gnomAD v4.1: 1 of 1,614,168 alleles (0.000062%); highest among the groups gnomAD compares: Non-Finnish European, 0.000085%; no homozygotes.

Submission:

Ambry Genetics
Classification: Uncertain significance. Last evaluated: 2023-11-20. Review status: criteria provided, single submitter. Criteria: Ambry Variant Classification Scheme 2023. Collection method: clinical testing. Allele origin: germline.
Comment: The p.P1630L variant (also known as c.4889C>T), located in coding exon 43 of the KIF1B gene, results from a C to T substitution at nucleotide position 4889. The proline at codon 1630 is replaced by leucine, an amino acid with similar properties. This amino acid position is not well conserved in available vertebrate species. In addition, this alteration is predicted to be tolerated by in silico analysis. The evidence for this gene-disease relationship is limited; therefore, the clinical significance of this alteration is unclear.

NM_001365951.3(KIF1B):c.5027C>T (p.Pro1676Leu)

Gene: KIF1B (kinesin family member 1B; plus strand). Cytogenetic location: 1p36.22.
Variant type: single nucleotide variant.
Coding change: c.5027C>T on transcript NM_001365951.3 (MANE Select); coding-DNA position 5027, C replaced by T.
Protein change: p.Pro1676Leu; replaces proline 1676 with leucine.
Molecular consequence: missense variant.
Genome position (GRCh38, 1-based): chr1:10,374,396, C>T. VCF-style: chr1-10374396-C-T. GRCh37 (hg19) VCF-style: chr1-10434454-C-T.
Other names: c.5027C>T, p.Pro1676Leu (NM_001365952.1); c.4889C>T, p.Pro1630Leu (NM_015074.3); short protein forms P1630L, P1676L.
Identifiers: ClinVar variation 3226523 (VCV003226523.1), dbSNP rs774262341, ClinGen allele CA338329336.